The following is an entry in ClinVar:

NM_033026.6(PCLO):c.2995G>C (p.Glu999Gln)

Gene: PCLO (piccolo presynaptic cytomatrix protein; minus strand). Cytogenetic location: 7q21.11.
Variant type: single nucleotide variant.
Coding change: c.2995G>C on transcript NM_033026.6 (MANE Select); coding-DNA position 2995, G replaced by C.
Protein change: p.Glu999Gln; replaces glutamic acid 999 with glutamine.
Molecular consequence: missense variant.
Genome position (GRCh38, 1-based): chr7:83,134,555, C>G on the plus strand (G>C on the coding strand, the complement: PCLO is on the minus strand). VCF-style: chr7-83134555-C-G. GRCh37 (hg19) VCF-style: chr7-82763871-C-G.
Other names: c.2995G>C, p.Glu999Gln (NM_014510.3); short protein forms E999Q.
Identifiers: ClinVar variation 1715115 (VCV001715115.5), dbSNP rs1791664339, ClinGen allele CA367898038.
Genomic context (GRCh38, chr7:83,134,555, plus strand): 5'-TTACTGTTGGAGCTTGTTCAGCTTTGGGCTCTAATTTTTCAGCTGCTGGGGCTTTTGTTT[C>G]CTTTTTCACAGGTATACTTTTTGCAGGTGCTGGTGGTGCTTGACCTGTGGATTTGGGTGG-3'
Protein context (NP_149015.2, residues 989-1009): APAKSIPVKK[Glu999Gln]TKAPAAEKLE

ClinVar aggregate classification (germline): Uncertain significance (1 of 4 stars; one submission).

Allele frequency attached by ClinVar (database versions not stated): gnomAD exomes below 0.00001; TOPMed below 0.00001.
gnomAD v4.1: 4 of 1,613,586 alleles (0.00025%); highest among the groups gnomAD compares: Non-Finnish European, 0.00034%; no homozygotes.

Submission:

Labcorp Genetics (formerly Invitae), Labcorp
Classification: Uncertain significance. Last evaluated: 2022-08-05. Review status: criteria provided, single submitter. Criteria: Invitae Variant Classification Sherloc (09022015). Collection method: clinical testing. Allele origin: germline.
Comment: This variant has not been reported in the literature in individuals affected with PCLO-related conditions. This variant is not present in population databases (gnomAD no frequency). This sequence change replaces glutamic acid, which is acidic and polar, with glutamine, which is neutral and polar, at codon 999 of the PCLO protein (p.Glu999Gln). In summary, the available evidence is currently insufficient to determine the role of this variant in disease. Therefore, it has been classified as a Variant of Uncertain Significance. Algorithms developed to predict the effect of missense changes on protein structure and function are either unavailable or do not agree on the potential impact of this missense change (SIFT: "Deleterious"; PolyPhen-2: "Not Available"; Align-GVGD: "Class C0").